The following is an entry in ClinVar:

ClinVar aggregate classification (germline): Uncertain significance. Review status: criteria provided, multiple submitters, no conflicts (2 of 4 stars). 3 submissions from 3 submitters: Uncertain significance (3). Last evaluated 2026-01-23.

Conditions:
Symmetrical dyschromatosis of extremities (DSH). Also called: RETICULATE ACROPIGMENTATION OF DOHI; SYMMETRIC DYSCHROMATOSIS OF THE EXTREMITIES; Dyschromatosis symmetrica hereditaria; DYSCHROMATOSIS SYMMETRICA HEREDITARIA 1. Identifiers: Orphanet 41, MedGen C0406775, MONDO:0007483, OMIM 127400.
Aicardi-Goutieres syndrome 6 (AGS6). Identifiers: Orphanet 51, MedGen C3539013, MONDO:0014007, OMIM 615010.

Allele frequency attached by ClinVar (database versions not stated): TOPMed below 0.00001; ExAC 0.00002; gnomAD exomes 0.00001 and 0.00002.
gnomAD v4.1: 3 of 1,614,196 alleles (0.00019%); highest among the groups gnomAD compares: Admixed American, 0.005%; no homozygotes.

Submissions (3):

Labcorp Genetics (formerly Invitae), Labcorp
Classification: Uncertain significance for Aicardi-Goutieres syndrome 6; Symmetrical dyschromatosis of extremities. Last evaluated: 2026-01-23. Review status: criteria provided, single submitter. Criteria: Invitae Variant Classification Sherloc (09022015). Collection method: clinical testing. Allele origin: germline.
Comment: This sequence change replaces threonine, which is neutral and polar, with isoleucine, which is neutral and non-polar, at codon 167 of the ADAR protein (p.Thr167Ile). This variant is present in population databases (rs747418036, gnomAD 0.006%). This variant has not been reported in the literature in individuals affected with ADAR-related conditions. ClinVar contains an entry for this variant (Variation ID: 1412463). An algorithm developed to predict the effect of missense changes on protein structure and function (PolyPhen-2) suggests that this variant is likely to be tolerated. In summary, the available evidence is currently insufficient to determine the role of this variant in disease. Therefore, it has been classified as a Variant of Uncertain Significance.

Genome-Nilou Lab
Classification: Uncertain significance for Aicardi-Goutieres syndrome 6. Last evaluated: 2023-04-11. Review status: criteria provided, single submitter. Criteria: ACMG Guidelines, 2015. Collection method: clinical testing. Allele origin: germline. Affected: no.

Fulgent Genetics
Classification: Uncertain significance for Symmetrical dyschromatosis of extremities; Aicardi-Goutieres syndrome 6. Last evaluated: 2021-11-23. Review status: criteria provided, single submitter. Criteria: ACMG Guidelines, 2015. Collection method: clinical testing. Allele origin: unknown.

NM_001111.5(ADAR):c.500C>T (p.Thr167Ile)

Gene: ADAR (adenosine deaminase RNA specific; minus strand). Cytogenetic location: 1q21.3.
Variant type: single nucleotide variant.
Coding change: c.500C>T on transcript NM_001111.5 (MANE Select); coding-DNA position 500, C replaced by T.
Protein change: p.Thr167Ile; replaces threonine 167 with isoleucine.
Molecular consequence: missense variant. On other transcripts: 5 prime UTR variant (6).
Genome position (GRCh38, 1-based): chr1:154,602,142, G>A on the plus strand (C>T on the coding strand, the complement: ADAR is on the minus strand). VCF-style: chr1-154602142-G-A. GRCh37 (hg19) VCF-style: chr1-154574618-G-A.
Other names: c.-386C>T (NM_001025107.3, NM_001193495.2, NM_001365046.1 and 3 more transcripts); c.527C>T, p.Thr176Ile (NM_001365045.1); c.500C>T, p.Thr167Ile (NM_015840.4, NM_015841.4); short protein forms T167I, T176I.
Identifiers: ClinVar variation 1412463 (VCV001412463.7), dbSNP rs747418036, ClinGen allele CA1131692.